The following is an entry in ClinVar:

NM_033026.6(PCLO):c.6688A>T (p.Thr2230Ser)

Gene: PCLO (piccolo presynaptic cytomatrix protein; minus strand). Cytogenetic location: 7q21.11.
Variant type: single nucleotide variant.
Coding change: c.6688A>T on transcript NM_033026.6 (MANE Select); coding-DNA position 6688, A replaced by T.
Protein change: p.Thr2230Ser; replaces threonine 2230 with serine.
Molecular consequence: missense variant.
Genome position (GRCh38, 1-based): chr7:82,954,265, T>A on the plus strand (A>T on the coding strand, the complement: PCLO is on the minus strand). VCF-style: chr7-82954265-T-A. GRCh37 (hg19) VCF-style: chr7-82583581-T-A.
Other names: c.6688A>T, p.Thr2230Ser (NM_014510.3); short protein forms T2230S.
Identifiers: ClinVar variation 1468171 (VCV001468171.6), dbSNP rs1477169189, ClinGen allele CA367918587.

ClinVar aggregate classification (germline): Uncertain significance (1 of 4 stars; one submission).

Allele frequency attached by ClinVar (database versions not stated): gnomAD 0.00001.
gnomAD v4.1: 2 of 1,613,636 alleles (0.00012%); highest among the groups gnomAD compares: African/African-American, 0.0027%; no homozygotes.

Submission:

Labcorp Genetics (formerly Invitae), Labcorp
Classification: Uncertain significance. Last evaluated: 2021-10-06. Review status: criteria provided, single submitter. Criteria: Invitae Variant Classification Sherloc (09022015). Collection method: clinical testing. Allele origin: germline.
Comment: In summary, the available evidence is currently insufficient to determine the role of this variant in disease. Therefore, it has been classified as a Variant of Uncertain Significance. Algorithms developed to predict the effect of missense changes on protein structure and function are either unavailable or do not agree on the potential impact of this missense change (SIFT: "Tolerated"; PolyPhen-2: "Not Available"; Align-GVGD: "Class C0"). This variant has not been reported in the literature in individuals with PCLO-related conditions. This variant is not present in population databases (ExAC no frequency). This sequence change replaces threonine with serine at codon 2230 of the PCLO protein (p.Thr2230Ser). The threonine residue is moderately conserved and there is a small physicochemical difference between threonine and serine.